The following is an entry in ClinVar:

NM_001621.5(AHR):c.1460A>G (p.Asn487Ser)

Gene: AHR (aryl hydrocarbon receptor; plus strand). Cytogenetic location: 7p21.1.
Variant type: single nucleotide variant.
Coding change: c.1460A>G on transcript NM_001621.5 (MANE Select); coding-DNA position 1460, A replaced by G.
Protein change: p.Asn487Ser; replaces asparagine 487 with serine.
Molecular consequence: missense variant.
Genome position (GRCh38, 1-based): chr7:17,339,285, A>G. VCF-style: chr7-17339285-A-G. GRCh37 (hg19) VCF-style: chr7-17378909-A-G.
Other names: short protein forms N487S.
Identifiers: ClinVar variation 2193434 (VCV002193434.2), dbSNP rs191715848, ClinGen allele CA4172116.

ClinVar aggregate classification (germline): Uncertain significance (1 of 4 stars; one submission).

Allele frequency attached by ClinVar (database versions not stated): ExAC 0.00001; gnomAD exomes 0.00001; TOPMed 0.00002; gnomAD 0.00003; 1000 Genomes Project 0.00020; 1000 Genomes Project 30x 0.00031.

Submission:

Labcorp Genetics (formerly Invitae), Labcorp
Classification: Uncertain significance. Last evaluated: 2022-02-20. Review status: criteria provided, single submitter. Criteria: Invitae Variant Classification Sherloc (09022015). Collection method: clinical testing. Allele origin: germline.
Comment: In summary, the available evidence is currently insufficient to determine the role of this variant in disease. Therefore, it has been classified as a Variant of Uncertain Significance. Algorithms developed to predict the effect of sequence changes on RNA splicing suggest that this variant may create or strengthen a splice site. Algorithms developed to predict the effect of missense changes on protein structure and function output the following: SIFT: "Tolerated"; PolyPhen-2: "Benign"; Align-GVGD: "Class C0". The serine amino acid residue is found in multiple mammalian species, which suggests that this missense change does not adversely affect protein function. This variant has not been reported in the literature in individuals affected with AHR-related conditions. This variant is present in population databases (rs191715848, gnomAD 0.003%). This sequence change replaces asparagine, which is neutral and polar, with serine, which is neutral and polar, at codon 487 of the AHR protein (p.Asn487Ser).